The following is an entry in ClinVar:

NM_000127.3(EXT1):c.359C>T (p.Pro120Leu)

Gene: EXT1 (exostosin glycosyltransferase 1; minus strand). Cytogenetic location: 8q24.11.
Variant type: single nucleotide variant.
Coding change: c.359C>T on transcript NM_000127.3 (MANE Select); coding-DNA position 359, C replaced by T.
Protein change: p.Pro120Leu; replaces proline 120 with leucine.
Molecular consequence: missense variant.
Genome position (GRCh38, 1-based): chr8:118,110,688, G>A on the plus strand (C>T on the coding strand, the complement: EXT1 is on the minus strand). VCF-style: chr8-118110688-G-A. GRCh37 (hg19) VCF-style: chr8-119122927-G-A.
Other names: short protein forms P120L.
Identifiers: ClinVar variation 1327107 (VCV001327107.6), dbSNP rs752226935, ClinGen allele CA4854370.

ClinVar aggregate classification (germline): Uncertain significance. Review status: criteria provided, multiple submitters, no conflicts (2 of 4 stars). 2 submissions from 2 submitters: Uncertain significance (2). Last evaluated 2025-07-30.

Conditions:
Chondrosarcoma. Also called: Chondrosarcoma, somatic. Identifiers: Orphanet 55880, MedGen C0008479, MONDO:0008977, OMIM 215300, HP:0006765.
Multiple congenital exostosis (EXT). Also called: Hereditary multiple osteochondromas; Multiple osteochondromas; MULTIPLE CARTILAGINOUS EXOSTOSES; Multiple exostoses; Hereditary multiple exostoses; Hereditary multiple exostosis. Identifiers: Orphanet 321, MedGen C0015306, MONDO:0005508, HP:0002762.

Allele frequency attached by ClinVar (database versions not stated): ExAC 0.00001; gnomAD exomes 0.00001.
gnomAD v4.1: 3 of 1,614,098 alleles (0.00019%); highest among the groups gnomAD compares: Admixed American, 0.005%; no homozygotes.

Submissions (2):

Labcorp Genetics (formerly Invitae), Labcorp
Classification: Uncertain significance for Multiple congenital exostosis. Last evaluated: 2025-07-30. Review status: criteria provided, single submitter. Criteria: Invitae Variant Classification Sherloc (09022015). Collection method: clinical testing. Allele origin: germline.
Comment: This sequence change replaces proline, which is neutral and non-polar, with leucine, which is neutral and non-polar, at codon 120 of the EXT1 protein (p.Pro120Leu). This variant is present in population databases (rs752226935, gnomAD 0.009%). This variant has not been reported in the literature in individuals affected with EXT1-related conditions. ClinVar contains an entry for this variant (Variation ID: 1327107). Invitae Evidence Modeling of protein sequence and biophysical properties (such as structural, functional, and spatial information, amino acid conservation, physicochemical variation, residue mobility, and thermodynamic stability) indicates that this missense variant is expected to disrupt EXT1 protein function with a positive predictive value of 80%. In summary, the available evidence is currently insufficient to determine the role of this variant in disease. Therefore, it has been classified as a Variant of Uncertain Significance.

Baylor Genetics
Classification: Uncertain significance for Chondrosarcoma. Last evaluated: 2021-04-15. Review status: criteria provided, single submitter. Criteria: ACMG Guidelines, 2015. Collection method: clinical testing. Allele origin: paternal. Affected: yes. Study: CSER-TexasKidsCanSeq.
Comment: This variant was determined to be of uncertain significance according to ACMG Guidelines, 2015 [PMID:25741868].